The following is an entry in ClinVar:

ClinVar aggregate classification (germline): Uncertain significance (1 of 4 stars; one submission).

Conditions:
Hereditary cancer-predisposing syndrome. Also called: Hereditary Cancer Syndrome; Hereditary neoplastic syndrome; Neoplastic Syndromes, Hereditary; Tumor predisposition. Identifiers: Orphanet 140162, MedGen C0027672, MeSH D009386, MONDO:0015356.

Submission:

Ambry Genetics
Classification: Uncertain significance for Hereditary cancer-predisposing syndrome. Last evaluated: 2026-08-17. Review status: criteria provided, single submitter. Criteria: Ambry Variant Classification Scheme 2023. Collection method: clinical testing. Allele origin: germline.
Comment: The p.I69T variant (also known as c.206T>C), located in coding exon 4 of the SDHC gene, results from a T to C substitution at nucleotide position 206. The isoleucine at codon 69 is replaced by threonine, an amino acid with similar properties. This amino acid position is well conserved in available vertebrate species. In addition, this alteration is predicted to be deleterious by in silico analysis. Based on the available evidence, the clinical significance of this variant remains unclear.

NM_003001.5(SDHC):c.206T>C (p.Ile69Thr)

Gene: SDHC (succinate dehydrogenase complex subunit C; plus strand). Cytogenetic location: 1q23.3.
Variant type: single nucleotide variant.
Coding change: c.206T>C on transcript NM_003001.5 (MANE Select); coding-DNA position 206, T replaced by C.
Protein change: p.Ile69Thr; replaces isoleucine 69 with threonine.
Molecular consequence: missense variant.
Genome position (GRCh38, 1-based): chr1:161,340,620, T>C. VCF-style: chr1-161340620-T-C. GRCh37 (hg19) VCF-style: chr1-161310410-T-C.
Other names: c.206T>C, p.Ile69Thr (NM_001035511.3); c.104T>C, p.Ile35Thr (NM_001035512.3, NM_001278172.3, NM_001407118.1); c.47T>C, p.Ile16Thr (NM_001035513.3); c.326T>C, p.Ile109Thr (NM_001407115.1); c.149T>C, p.Ile50Thr (NM_001407116.1, NM_001407117.1, NM_001407121.1); c.95T>C, p.Ile32Thr (NM_001407119.1, NM_001407120.1); short protein forms I109T, I69T, I16T, I32T, I50T, I35T.
Identifiers: ClinVar variation 1785364 (VCV001785364.3), dbSNP rs2526444958, ClinGen allele CA343365848.